The following is an entry in ClinVar:

ClinVar aggregate classification (germline): Uncertain significance (1 of 4 stars; one submission).

Submission:

GeneDx
Classification: Uncertain significance. Last evaluated: 2026-02-07. Review status: criteria provided, single submitter. Criteria: GeneDx Variant Classification Process June 2021. Collection method: clinical testing. Allele origin: germline.
Comment: Not observed at significant frequency in large population cohorts (gnomAD); In silico analysis supports that this missense variant has a deleterious effect on protein structure/function; Has not been previously published as pathogenic or benign to our knowledge

NM_001318510.2(ACSL4):c.629A>G (p.Glu210Gly)

Gene: ACSL4 (acyl-CoA synthetase long chain family member 4; minus strand). Cytogenetic location: Xq23.
Variant type: single nucleotide variant.
Coding change: c.629A>G on transcript NM_001318510.2 (MANE Select); coding-DNA position 629, A replaced by G.
Protein change: p.Glu210Gly; replaces glutamic acid 210 with glycine.
Molecular consequence: missense variant.
Genome position (GRCh38, 1-based): chrX:109,681,024, T>C on the plus strand (A>G on the coding strand, the complement: ACSL4 is on the minus strand). VCF-style: chrX-109681024-T-C. GRCh37 (hg19) VCF-style: chrX-108924253-T-C.
Other names: c.752A>G, p.Glu251Gly (NM_001318509.2, NM_022977.3); c.629A>G, p.Glu210Gly (NM_004458.3); short protein forms E210G, E251G.
Identifiers: ClinVar variation 3364185 (VCV003364185.2).
Genomic context (GRCh38, chrX:109,681,024, plus strand): 5'-AGGTAAATAAAATTGTTTTTACTGCTTTACTTACAGTTTTCTGGGTTAGATCCCAACTCT[T>C]CTACTGATTGCATGCTGTGAATCTCAAATCCTTCAGGGTACTCTGCTTTATTGATAGCCT-3'
Protein context (NP_001305439.1, residues 200-220): GFEIHSMQSV[Glu210Gly]ELGSNPENLG